The following is an entry in ClinVar:

NM_006231.4(POLE):c.5378+1G>A

Gene: POLE (DNA polymerase epsilon, catalytic subunit; minus strand). Cytogenetic location: 12q24.33.
Variant type: single nucleotide variant.
Coding change: c.5378+1G>A on transcript NM_006231.4 (MANE Select); the canonical splice donor site of the intron after coding-DNA position 5378, G replaced by A.
Molecular consequence: splice donor variant.
Genome position (GRCh38, 1-based): chr12:132,641,646, C>T on the plus strand (G>A on the coding strand, the complement: POLE is on the minus strand). VCF-style: chr12-132641646-C-T. GRCh37 (hg19) VCF-style: chr12-133218232-C-T.
Other names: c.5378+1G>A (NM_006231.2).
Identifiers: ClinVar variation 1049789 (VCV001049789.2), dbSNP rs747165215, ClinGen allele CA387375632.

ClinVar aggregate classification (germline): Uncertain significance. Review status: criteria provided, single submitter (1 of 4 stars). 2 submissions from 2 submitters: Uncertain significance (1). 1 of the submissions does not count toward it. Last evaluated 2025-08-08.

Conditions:
Familial ovarian cancer. Identifiers: MedGen C5679802, MONDO:0016248.
Hereditary cancer-predisposing syndrome. Also called: Tumor predisposition; Hereditary neoplastic syndrome; Hereditary Cancer Syndrome; Neoplastic Syndromes, Hereditary. Identifiers: Orphanet 140162, MedGen C0027672, MeSH D009386, MONDO:0015356.

Submissions (2):

Ambry Genetics
Classification: Uncertain significance for Hereditary cancer-predisposing syndrome. Last evaluated: 2025-08-08. Review status: criteria provided, single submitter. Criteria: Ambry Variant Classification Scheme 2023. Collection method: clinical testing. Allele origin: germline.
Comment: The c.5378+1G>A intronic variant results from a G to A substitution one nucleotide after coding exon 39 of the POLE gene. Alterations that disrupt the canonical splice site are expected to cause aberrant splicing. In silico splice site analysis predicts that this alteration will weaken the native splice donor site. A resulting transcript is predicted to be in-frame and is not expected to trigger nonsense-mediated mRNA decay; although, direct evidence is unavailable. This nucleotide position is highly conserved in available vertebrate species. Based on the available evidence, the clinical significance of this variant remains unclear.

Department of Pathology and Laboratory Medicine, Sinai Health System
Classification: Pathogenic for Familial ovarian cancer. Review status: no assertion criteria provided. Collection method: clinical testing. Allele origin: unknown. Affected: yes. Study: The Canadian Open Genetics Repository (COGR). Not counted in ClinVar's aggregate classification.
Comment: The POLE c.5378+1G>A variant was not identified in the literature nor was it identified in the dbSNP and ClinVar databases. The variant was not identified in the following control databases: the Exome Aggregation Consortium (August 8th 2016), or the Genome Aggregation Database (Feb 27, 2017). The c.5378+1G>A variant is predicted to cause abnormal splicing because the nucleotide substitution occurs in the invariant region of the splice consensus sequence. In addition, 3 of 4 in silico or computational prediction software programs (SpliceSiteFinder, MaxEntScan, NNSPLICE, GeneSplicer, Human Splicing Finder) predict the loss of the 5â€šÃ„Ã´ splice site. In summary, based on the above information this variant meets our laboratoryâ€šÃ„Ã´s criteria to be classified as pathogenic.